The following is an entry in ClinVar:

NM_014984.4(CEP131):c.1831C>T (p.Arg611Trp)

Gene: CEP131 (centrosomal protein 131; minus strand). Cytogenetic location: 17q25.3.
Variant type: single nucleotide variant.
Coding change: c.1831C>T on transcript NM_014984.4 (MANE Select); coding-DNA position 1831, C replaced by T.
Protein change: p.Arg611Trp; replaces arginine 611 with tryptophan.
Molecular consequence: missense variant.
Genome position (GRCh38, 1-based): chr17:81,196,769, G>A on the plus strand (C>T on the coding strand, the complement: CEP131 is on the minus strand). VCF-style: chr17-81196769-G-A. GRCh37 (hg19) VCF-style: chr17-79170569-G-A.
Other names: c.1831C>T, p.Arg611Trp (NM_001009811.4); c.1840C>T, p.Arg614Trp (NM_001319228.2, NM_001319229.2); short protein forms R611W, R614W.
Identifiers: ClinVar variation 2648438 (VCV002648438.24), dbSNP rs113688504, ClinGen allele CA8829675.

ClinVar aggregate classification (germline): Likely benign (1 of 4 stars; one submission).

Allele frequency attached by ClinVar (database versions not stated): TOPMed 0.00006; gnomAD exomes 0.00009; gnomAD 0.00011; ExAC 0.00029; 1000 Genomes Project 30x 0.00047; 1000 Genomes Project 0.00060.
gnomAD v4.1: 147 of 1,592,608 alleles (0.0092%); highest among the groups gnomAD compares: South Asian, 0.11%; 2 homozygotes.

Submission:

CeGaT Center for Human Genetics Tuebingen
Classification: Likely benign. Last evaluated: 2022-09-01. Review status: criteria provided, single submitter. Criteria: CeGaT Center For Human Genetics Tuebingen Variant Classification Criteria Version 2. Collection method: clinical testing. Allele origin: germline. Affected: yes. Observed: 1 variant allele.
Comment: CEP131: BP4